The following is an entry in ClinVar:

NM_015164.4(PLEKHM2):c.1967A>G (p.Asn656Ser)

Gene: PLEKHM2 (pleckstrin homology and RUN domain containing M2; plus strand). Cytogenetic location: 1p36.21.
Variant type: single nucleotide variant.
Coding change: c.1967A>G on transcript NM_015164.4 (MANE Select); coding-DNA position 1967, A replaced by G.
Protein change: p.Asn656Ser; replaces asparagine 656 with serine.
Molecular consequence: missense variant.
Genome position (GRCh38, 1-based): chr1:15,728,714, A>G. VCF-style: chr1-15728714-A-G. GRCh37 (hg19) VCF-style: chr1-16055209-A-G.
Other names: c.1967A>G (NM_015164.2); short protein forms N656S.
Identifiers: ClinVar variation 1038072 (VCV001038072.10), dbSNP rs547769286, ClinGen allele CA617089.

ClinVar aggregate classification (germline): Uncertain significance. Review status: criteria provided, multiple submitters, no conflicts (2 of 4 stars). 2 submissions from 2 submitters: Uncertain significance (2). Last evaluated 2025-07-02.

Conditions:
Dilated Cardiomyopathy, Recessive.

Allele frequency attached by ClinVar (database versions not stated): gnomAD exomes 0.00002 and 0.00004; ExAC 0.00005; TOPMed 0.00012; gnomAD 0.00014 and 0.00015; 1000 Genomes Project 0.00040; 1000 Genomes Project 30x 0.00047.
gnomAD v4.1: 57 of 1,611,140 alleles (0.0035%); highest among the groups gnomAD compares: African/African-American, 0.061%; no homozygotes.

Submissions (2):

Ambry Genetics
Classification: Uncertain significance. Last evaluated: 2025-07-02. Review status: criteria provided, single submitter. Criteria: Ambry Variant Classification Scheme 2023. Collection method: clinical testing. Allele origin: germline.

Labcorp Genetics (formerly Invitae), Labcorp
Classification: Uncertain significance. Last evaluated: 2024-06-11. Review status: criteria provided, single submitter. Criteria: Invitae Variant Classification Sherloc (09022015). Collection method: clinical testing. Allele origin: germline.
Comment: This sequence change replaces asparagine, which is neutral and polar, with serine, which is neutral and polar, at codon 656 of the PLEKHM2 protein (p.Asn656Ser). This variant is present in population databases (rs547769286, gnomAD 0.05%). This variant has not been reported in the literature in individuals affected with PLEKHM2-related conditions. ClinVar contains an entry for this variant (Variation ID: 1038072). Algorithms developed to predict the effect of missense changes on protein structure and function output the following: SIFT: "Not Available"; PolyPhen-2: "Benign"; Align-GVGD: "Not Available". The serine amino acid residue is found in multiple mammalian species, which suggests that this missense change does not adversely affect protein function. In summary, the available evidence is currently insufficient to determine the role of this variant in disease. Therefore, it has been classified as a Variant of Uncertain Significance.